The following is an entry in ClinVar:

ClinVar aggregate classification (germline): Uncertain significance (1 of 4 stars; one submission).

Conditions:
Inborn genetic diseases. Identifiers: MedGen C0950123, MeSH D030342.

Submission:

Ambry Genetics
Classification: Uncertain significance for Inborn genetic diseases. Last evaluated: 2026-08-02. Review status: criteria provided, single submitter. Criteria: Ambry Variant Classification Scheme 2023. Collection method: clinical testing. Allele origin: germline.
Comment: The p.H962Q variant (also known as c.2886C>G), located in coding exon 30 of the FANCA gene, results from a C to G substitution at nucleotide position 2886. The histidine at codon 962 is replaced by glutamine, an amino acid with highly similar properties. This amino acid position is conserved. In addition, this alteration is predicted to be tolerated by in silico analysis. Based on the available evidence, the clinical significance of this variant remains unclear.

NM_000135.4(FANCA):c.2886C>G (p.His962Gln)

Gene: FANCA (FA complementation group A; minus strand). Cytogenetic location: 16q24.3.
Variant type: single nucleotide variant.
Coding change: c.2886C>G on transcript NM_000135.4 (MANE Select); coding-DNA position 2886, C replaced by G.
Protein change: p.His962Gln; replaces histidine 962 with glutamine.
Molecular consequence: missense variant.
Genome position (GRCh38, 1-based): chr16:89,758,672, G>C on the plus strand (C>G on the coding strand, the complement: FANCA is on the minus strand). VCF-style: chr16-89758672-G-C. GRCh37 (hg19) VCF-style: chr16-89825080-G-C.
Other names: c.2886C>G, p.His962Gln (NM_001286167.3); short protein forms H962Q.
Identifiers: ClinVar variation 5036392 (VCV005036392.1).